The following is an entry in ClinVar:

NM_182977.3(NNT):c.1982C>T (p.Ala661Val)

Gene: NNT (nicotinamide nucleotide transhydrogenase; plus strand). Cytogenetic location: 5p12.
Variant type: single nucleotide variant.
Coding change: c.1982C>T on transcript NM_182977.3 (MANE Select); coding-DNA position 1982, C replaced by T.
Protein change: p.Ala661Val; replaces alanine 661 with valine.
Molecular consequence: missense variant.
Genome position (GRCh38, 1-based): chr5:43,653,136, C>T. VCF-style: chr5-43653136-C-T. GRCh37 (hg19) VCF-style: chr5-43653238-C-T.
Other names: c.1589C>T, p.Ala530Val (NM_001331026.2); c.1982C>T, p.Ala661Val (NM_012343.4); c.1982C>T (NM_012343.3); short protein forms A661V, A530V.
Identifiers: ClinVar variation 1397181 (VCV001397181.4), dbSNP rs374759680, ClinGen allele CA3258123.
Genomic context (GRCh38, chr5:43,653,136, plus strand): 5'-AGGGAACAGCACGTCTTGGCAATGCACTGGGCATGATTGGGGTTGCTGGAGGACTGGCAG[C>T]CACCCTCGGAGTCCTAAAACCGGGCCCAGAATTACTAGCTCAGATGTCTGGAGCGATGGC-3'
Protein context (NP_892022.2, residues 651-671): GMIGVAGGLA[Ala661Val]TLGVLKPGPE

ClinVar aggregate classification (germline): Uncertain significance. Review status: criteria provided, multiple submitters, no conflicts (2 of 4 stars). 2 submissions from 2 submitters: Uncertain significance (2). Last evaluated 2022-01-11.

Conditions:
Inborn genetic diseases. Identifiers: MedGen C0950123, MeSH D030342.

Allele frequency attached by ClinVar (database versions not stated): ExAC 0.00003; gnomAD exomes 0.00004 and 0.00006; TOPMed 0.00004; gnomAD 0.00006 and 0.00007.
gnomAD v4.1: 104 of 1,613,982 alleles (0.0064%); highest among the groups gnomAD compares: Middle Eastern, 0.082%; no homozygotes.

Submissions (2):

Labcorp Genetics (formerly Invitae), Labcorp
Classification: Uncertain significance. Last evaluated: 2022-01-11. Review status: criteria provided, single submitter. Criteria: Invitae Variant Classification Sherloc (09022015). Collection method: clinical testing. Allele origin: germline.
Comment: This sequence change replaces alanine, which is neutral and non-polar, with valine, which is neutral and non-polar, at codon 661 of the NNT protein (p.Ala661Val). This variant is present in population databases (rs374759680, gnomAD 0.009%). This variant has not been reported in the literature in individuals affected with NNT-related conditions. Algorithms developed to predict the effect of missense changes on protein structure and function are either unavailable or do not agree on the potential impact of this missense change (SIFT: "Deleterious"; PolyPhen-2: "Benign"; Align-GVGD: "Class C0"). In summary, the available evidence is currently insufficient to determine the role of this variant in disease. Therefore, it has been classified as a Variant of Uncertain Significance.

Ambry Genetics
Classification: Uncertain significance for Inborn genetic diseases. Last evaluated: 2021-08-10. Review status: criteria provided, single submitter. Criteria: Ambry Variant Classification Scheme 2023. Collection method: clinical testing. Allele origin: germline.